The following is an entry in ClinVar:

NM_018297.4(NGLY1):c.841C>T (p.His281Tyr)

Gene: NGLY1 (N-glycanase 1; minus strand). Cytogenetic location: 3p24.2.
Variant type: single nucleotide variant.
Coding change: c.841C>T on transcript NM_018297.4 (MANE Select); coding-DNA position 841, C replaced by T.
Protein change: p.His281Tyr; replaces histidine 281 with tyrosine.
Molecular consequence: missense variant.
Genome position (GRCh38, 1-based): chr3:25,739,617, G>A on the plus strand (C>T on the coding strand, the complement: NGLY1 is on the minus strand). VCF-style: chr3-25739617-G-A. GRCh37 (hg19) VCF-style: chr3-25781108-G-A.
Other names: c.841C>T, p.His281Tyr (NM_001145293.2, NM_001145295.2); c.715C>T, p.His239Tyr (NM_001145294.2); short protein forms H281Y, H239Y.
Identifiers: ClinVar variation 581744 (VCV000581744.8), dbSNP rs200446388, ClinGen allele CA2289371.
Genomic context (GRCh38, chr3:25,739,617, plus strand): 5'-TTACCATCCAGGGCACCCACCTTGGGAATCGATTGCTGAACTGGCAGGCATCACAGTAAT[G>A]ATCTTCCACTTCCTTTGCACCCCACTTCAGCTCATCATCACTGGGCAGTAATGATCTATC-3'
Protein context (NP_060767.2, residues 271-291): LKWGAKEVED[His281Tyr]YCDACQFSNR

ClinVar aggregate classification (germline): Uncertain significance. Review status: criteria provided, multiple submitters, no conflicts (2 of 4 stars). 3 submissions from 3 submitters: Uncertain significance (3). Last evaluated 2025-09-26.

Conditions:
Inborn genetic diseases. Identifiers: MedGen C0950123, MeSH D030342.
Congenital disorder of deglycosylation (CDDG). Identifiers: MedGen C3808991, MONDO:0031376.

Allele frequency attached by ClinVar (database versions not stated): ESP Exome Variant Server 0.00008; gnomAD 0.00006; TOPMed 0.00005.
gnomAD v4.1: 189 of 1,613,962 alleles (0.012%); highest among the groups gnomAD compares: Non-Finnish European, 0.015%; no homozygotes.

Submissions (3):

GeneDx
Classification: Uncertain significance. Last evaluated: 2025-09-26. Review status: criteria provided, single submitter. Criteria: GeneDx Variant Classification Process June 2021. Collection method: clinical testing. Allele origin: germline.
Comment: Not observed at significant frequency in large population cohorts (gnomAD); In silico analysis suggests that this missense variant does not alter protein structure/function; Has not been previously published as pathogenic or benign to our knowledge

Ambry Genetics
Classification: Uncertain significance for Inborn genetic diseases. Last evaluated: 2025-08-28. Review status: criteria provided, single submitter. Criteria: Ambry Variant Classification Scheme 2023. Collection method: clinical testing. Allele origin: germline.

Labcorp Genetics (formerly Invitae), Labcorp
Classification: Uncertain significance for Congenital disorder of deglycosylation. Last evaluated: 2022-10-17. Review status: criteria provided, single submitter. Criteria: Invitae Variant Classification Sherloc (09022015). Collection method: clinical testing. Allele origin: germline.
Comment: This sequence change replaces histidine, which is basic and polar, with tyrosine, which is neutral and polar, at codon 281 of the NGLY1 protein (p.His281Tyr). This variant is present in population databases (rs200446388, gnomAD 0.005%). This variant has not been reported in the literature in individuals affected with NGLY1-related conditions. ClinVar contains an entry for this variant (Variation ID: 581744). Advanced modeling of protein sequence and biophysical properties (such as structural, functional, and spatial information, amino acid conservation, physicochemical variation, residue mobility, and thermodynamic stability) performed at Invitae indicates that this missense variant is not expected to disrupt NGLY1 protein function. In summary, the available evidence is currently insufficient to determine the role of this variant in disease. Therefore, it has been classified as a Variant of Uncertain Significance.